The following is an entry in ClinVar:

NM_004260.4(RECQL4):c.2109T>G (p.Ile703Met)

Gene: RECQL4 (RecQ like helicase 4; minus strand). Cytogenetic location: 8q24.3.
Variant type: single nucleotide variant.
Coding change: c.2109T>G on transcript NM_004260.4 (MANE Select); coding-DNA position 2109, T replaced by G.
Protein change: p.Ile703Met; replaces isoleucine 703 with methionine.
Molecular consequence: missense variant.
Genome position (GRCh38, 1-based): chr8:144,513,662, A>C on the plus strand (T>G on the coding strand, the complement: RECQL4 is on the minus strand). VCF-style: chr8-144513662-A-C. GRCh37 (hg19) VCF-style: chr8-145739046-A-C.
Other names: short protein forms I703M.
Identifiers: ClinVar variation 1486101 (VCV001486101.6), dbSNP rs759753484, ClinGen allele CA372679915.
Genomic context (GRCh38, chr8:144,513,662, plus strand): 5'-GCAGGTTCGGAGGAGCGCAGCGATCCGCTCTGTGTCCTCGCGCCGGTTGCAGTAAATGAT[A>C]ATGGAATCGAGGTTTTGAAAACGTTTGCCTTGCAGCAGCGTCAACAGTGCCTGATGAGGA-3'
Protein context (NP_004251.4, residues 693-713): QGKRFQNLDS[Ile703Met]IIYCNRREDT

ClinVar aggregate classification (germline): Uncertain significance (1 of 4 stars; one submission).

Conditions:
Baller-Gerold syndrome (BGS). Also called: CRANIOSYNOSTOSIS WITH RADIAL DEFECTS. Identifiers: Orphanet 1225, MedGen C0265308, MONDO:0009039, OMIM 218600.

Submission:

Labcorp Genetics (formerly Invitae), Labcorp
Classification: Uncertain significance for Baller-Gerold syndrome. Last evaluated: 2021-05-15. Review status: criteria provided, single submitter. Criteria: Invitae Variant Classification Sherloc (09022015). Collection method: clinical testing. Allele origin: germline.
Comment: This variant has not been reported in the literature in individuals with RECQL4-related conditions. This sequence change replaces isoleucine with methionine at codon 703 of the RECQL4 protein (p.Ile703Met). The isoleucine residue is moderately conserved and there is a small physicochemical difference between isoleucine and methionine. This variant is not present in population databases (ExAC no frequency). Experimental studies and prediction algorithms are not available or were not evaluated, and the functional significance of this variant is currently unknown. In summary, the available evidence is currently insufficient to determine the role of this variant in disease. Therefore, it has been classified as a Variant of Uncertain Significance.